The following is an entry in ClinVar:

NM_003482.4(KMT2D):c.5251A>G (p.Lys1751Glu)

Gene: KMT2D (lysine methyltransferase 2D; minus strand). Cytogenetic location: 12q13.12.
Variant type: single nucleotide variant.
Coding change: c.5251A>G on transcript NM_003482.4 (MANE Select); coding-DNA position 5251, A replaced by G.
Protein change: p.Lys1751Glu; replaces lysine 1751 with glutamic acid.
Molecular consequence: missense variant.
Genome position (GRCh38, 1-based): chr12:49,043,936, T>C on the plus strand (A>G on the coding strand, the complement: KMT2D is on the minus strand). VCF-style: chr12-49043936-T-C. GRCh37 (hg19) VCF-style: chr12-49437719-T-C.
Other names: short protein forms K1751E.
Identifiers: ClinVar variation 4994025 (VCV004994025.1).
Genomic context (GRCh38, chr12:49,043,936, plus strand): 5'-AAGCAGGGAACATGTCCTCCAGTTTGCTCTTCTTGCGCCCTCGCCGCTGTTGCTTCTTCT[T>C]CTCATCCCCTTCAGCTAAGCTCTGCTCCACGGCGCCCTCTGCAGGCAGGTCAGCAGGTAT-3'
Protein context (NP_003473.3, residues 1741-1761): VEQSLAEGDE[Lys1751Glu]KKQQRRGRKK

ClinVar aggregate classification (germline): Uncertain significance (1 of 4 stars; one submission).

Conditions:
KMT2D-related disorder. Also called: KMT2D-Related Disorders.

gnomAD v4.1: 1 of 1,614,030 alleles (0.000062%); highest among the groups gnomAD compares: Non-Finnish European, 0.000085%; no homozygotes.

Submission:

PreventionGenetics, part of Exact Sciences
Classification: Uncertain significance for KMT2D-related condition. Last evaluated: 2025-12-18. Review status: criteria provided, single submitter. Criteria: ACMG Guidelines, 2015. Collection method: clinical testing. Allele origin: germline.
Comment: The KMT2D c.5251A>G variant is predicted to result in the amino acid substitution p.Lys1751Glu. To our knowledge, this variant has not been reported in the literature or in a large population database (gnomAD), indicating this variant is rare. At this time, the clinical significance of this variant is uncertain due to the absence of conclusive functional and genetic evidence.